The following is an entry in ClinVar:

ClinVar aggregate classification (germline): Uncertain significance. Review status: criteria provided, multiple submitters, no conflicts (2 of 4 stars). 2 submissions from 2 submitters: Uncertain significance (2). Last evaluated 2019-05-01.

Conditions:
Hereditary cancer-predisposing syndrome. Also called: Tumor predisposition; Hereditary Cancer Syndrome; Hereditary neoplastic syndrome; Neoplastic Syndromes, Hereditary. Identifiers: Orphanet 140162, MedGen C0027672, MeSH D009386, MONDO:0015356.
Hereditary breast ovarian cancer syndrome. Also called: Hereditary breast and ovarian cancer; BRCA1- and BRCA2-Associated Hereditary Breast and Ovarian Cancer; Breast and ovarian cancer; Hereditary breast and ovarian cancer syndrome; Hereditary breast and ovarian cancer syndrome (HBOC); Hereditary breast and/or ovarian cancer syndrome. Identifiers: Orphanet 145, MedGen C0677776, MeSH D061325, MONDO:0003582. Disease mechanism: loss of function.

Allele frequency attached by ClinVar (database versions not stated): gnomAD exomes below 0.00001.
gnomAD v4.1: 1 of 1,613,888 alleles (0.000062%); highest among the groups gnomAD compares: South Asian, 0.0011%; no homozygotes.

Submissions (2):

Cancer Genomics Group, Japanese Foundation For Cancer Research
Classification: Uncertain significance for Hereditary breast and ovarian cancer syndrome. Last evaluated: 2019-05-01. Review status: criteria provided, single submitter. Criteria: ACMG Guidelines, 2015. Collection method: research. Allele origin: germline. Affected: yes.

Ambry Genetics
Classification: Uncertain significance for Hereditary cancer-predisposing syndrome. Last evaluated: 2017-01-27. Review status: criteria provided, single submitter. Criteria: Ambry Variant Classification Scheme 2023. Collection method: clinical testing. Allele origin: germline.
Comment: The p.M523V variant (also known as c.1567A>G), located in coding exon 14 of the MRE11A gene, results from an A to G substitution at nucleotide position 1567. The methionine at codon 523 is replaced by valine, an amino acid with highly similar properties. This amino acid position is well conserved in available vertebrate species. In addition, this alteration is predicted to be tolerated by in silico analysis. Since supporting evidence is limited at this time, the clinical significance of this alteration remains unclear.

NM_005591.4(MRE11):c.1567A>G (p.Met523Val)

Gene: MRE11 (MRE11 double strand break repair nuclease; minus strand). Cytogenetic location: 11q21.
Variant type: single nucleotide variant.
Coding change: c.1567A>G on transcript NM_005591.4 (MANE Select); coding-DNA position 1567, A replaced by G.
Protein change: p.Met523Val; replaces methionine 523 with valine.
Molecular consequence: missense variant.
Genome position (GRCh38, 1-based): chr11:94,447,435, T>C on the plus strand (A>G on the coding strand, the complement: MRE11 is on the minus strand). VCF-style: chr11-94447435-T-C. GRCh37 (hg19) VCF-style: chr11-94180601-T-C.
Other names: c.1567A>G, p.Met523Val (NM_001330347.2, NM_005590.4); short protein forms M523V.
Identifiers: ClinVar variation 485818 (VCV000485818.7), dbSNP rs1555005493, ClinGen allele CA382368820.